The following is an entry in ClinVar:

ClinVar aggregate classification (germline): Pathogenic (1 of 4 stars; one submission).

Submission:

Labcorp Genetics (formerly Invitae), Labcorp
Classification: Pathogenic. Last evaluated: 2022-02-04. Review status: criteria provided, single submitter. Criteria: Invitae Variant Classification Sherloc (09022015). Collection method: clinical testing. Allele origin: germline.
Comment: This variant is not present in population databases (gnomAD no frequency). This sequence change creates a premature translational stop signal (p.Leu358Trpfs*6) in the SERPING1 gene. It is expected to result in an absent or disrupted protein product. Loss-of-function variants in SERPING1 are known to be pathogenic (PMID: 11112899, 24456027). This variant has not been reported in the literature in individuals affected with SERPING1-related conditions. For these reasons, this variant has been classified as Pathogenic.

Literature cited by the submitters: PubMed 11112899; PubMed 24456027.

NM_000062.3(SERPING1):c.1072del (p.Leu358fs)

Gene: SERPING1 (serpin family G member 1; plus strand). Cytogenetic location: 11q12.1.
Variant type: Deletion.
Coding change: c.1072del on transcript NM_000062.3 (MANE Select); coding-DNA position 1072, one base deleted (C; older notation c.1072delC).
Protein change: p.Leu358fs; shifts the reading frame from leucine 358.
Molecular consequence: frameshift variant.
Genome position (GRCh38, 1-based): chr11:57,611,759, C deleted; the last of 2 consecutive C bases (chr11:57,611,758-57,611,759); deleting either gives the same sequence. VCF-style (leftmost placement, unchanged base first): chr11-57611757-TC-T. GRCh37 (hg19) VCF-style: chr11-57379230-TC-T.
Other names: c.1072del, p.Leu358fs (NM_001032295.2); short protein forms L358fs.
Identifiers: ClinVar variation 1404535 (VCV001404535.6), dbSNP rs2135324522, ClinGen allele CA2573147261.